The following is an entry in ClinVar:

ClinVar aggregate classification (germline): Uncertain significance (1 of 4 stars; one submission).

Conditions:
IFT27-related disorder. Also called: IFT27-related condition.

gnomAD v4.1: 4 of 1,606,168 alleles (0.00025%); highest among the groups gnomAD compares: African/African-American, 0.004%; no homozygotes.

Submission:

PreventionGenetics, part of Exact Sciences
Classification: Uncertain significance for IFT27-related condition. Last evaluated: 2025-12-03. Review status: criteria provided, single submitter. Criteria: ACMG Guidelines, 2015. Collection method: clinical testing. Allele origin: germline.
Comment: The IFT27 c.401C>T variant is predicted to result in the amino acid substitution p.Ser134Leu. To our knowledge, this variant has not been reported in the literature. This variant is reported in 0.011% of alleles in individuals of African descent in gnomAD. At this time, the clinical significance of this variant is uncertain due to the absence of conclusive functional and genetic evidence.

NM_001177701.3(IFT27):c.404C>T (p.Ser135Leu)

Genes: CACNG2-DT (CACNG2 divergent transcript; plus strand), IFT27 (intraflagellar transport 27; minus strand). Cytogenetic location: 22q12.3.
Variant type: single nucleotide variant.
Coding change: c.404C>T on transcript NM_001177701.3 (MANE Select); coding-DNA position 404, C replaced by T.
Protein change: p.Ser135Leu; replaces serine 135 with leucine.
Molecular consequence: missense variant.
Genome position (GRCh38, 1-based): chr22:36,762,962, G>A on the plus strand (C>T on the coding strand, the complement: IFT27 is on the minus strand). VCF-style: chr22-36762962-G-A. GRCh37 (hg19) VCF-style: chr22-37159006-G-A.
Other names: c.404C>T, p.Ser135Leu (NM_001363003.2); c.401C>T, p.Ser134Leu (NM_006860.5); short protein forms S134L, S135L.
Identifiers: ClinVar variation 4977391 (VCV004977391.1).
Genomic context (GRCh38, chr22:36,762,962, plus strand): 5'-ACCACGGATGTTTCAAAACATTCCAGGCCCTGGCCCAGCGCCCATGCCCGGGCCTCAGCT[G>A]AGTCCACTGCTCGTCTGCCGGCCAGGTCTGTCTTGTTCCCAACTAAAACACCTACTCAGA-3'
Protein context (NP_001171172.1, residues 125-145): TDLAGRRAVD[Ser135Leu]AEARAWALGQ